The following is an entry in ClinVar:

ClinVar aggregate classification (germline): Uncertain significance (1 of 4 stars; one submission).

Conditions:
Growth hormone insensitivity with immune dysregulation 1, autosomal recessive. Also called: GROWTH HORMONE INSENSITIVITY SYNDROME WITH IMMUNE DYSREGULATION 1, AUTOSOMAL RECESSIVE; Laron syndrome with immunodeficiency; GROWTH HORMONE INSENSITIVITY DUE TO POSTRECEPTOR DEFECT; LARON SYNDROME DUE TO POSTRECEPTOR DEFECT. Identifiers: Orphanet 220465, MedGen C5435698, MONDO:0100211, OMIM 245590.

gnomAD v4.1: 9 of 1,610,240 alleles (0.00056%); highest among the groups gnomAD compares: Non-Finnish European, 0.00076%; no homozygotes.

Submission:

Labcorp Genetics (formerly Invitae), Labcorp
Classification: Uncertain significance for Growth hormone insensitivity with immune dysregulation 1, autosomal recessive. Last evaluated: 2025-07-06. Review status: criteria provided, single submitter. Criteria: Invitae Variant Classification Sherloc (09022015). Collection method: clinical testing. Allele origin: germline.
Comment: This sequence change affects codon 560 of the STAT5B mRNA. It is a 'silent' change, meaning that it does not change the encoded amino acid sequence of the STAT5B protein. This variant also falls at the last nucleotide of exon 13, which is part of the consensus splice site for this exon. This variant is not present in population databases (gnomAD no frequency). This variant has not been reported in the literature in individuals affected with STAT5B-related conditions. Variants that disrupt the consensus splice site are a relatively common cause of aberrant splicing (PMID: 17576681, 9536098). Algorithms developed to predict the effect of sequence changes on RNA splicing suggest that this variant may disrupt the consensus splice site. In summary, the available evidence is currently insufficient to determine the role of this variant in disease. Therefore, it has been classified as a Variant of Uncertain Significance.

Literature cited by the submitters: PubMed 17576681; PubMed 9536098.

NM_012448.4(STAT5B):c.1680G>A (p.Arg560=)

Gene: STAT5B (signal transducer and activator of transcription 5B; minus strand). Cytogenetic location: 17q21.2.
Variant type: single nucleotide variant.
Coding change: c.1680G>A on transcript NM_012448.4 (MANE Select); coding-DNA position 1680, G replaced by A.
Protein change: p.Arg560=; no amino-acid change (arginine 560 retained).
Molecular consequence: synonymous variant.
Genome position (GRCh38, 1-based): chr17:42,211,984, C>T on the plus strand (G>A on the coding strand, the complement: STAT5B is on the minus strand). VCF-style: chr17-42211984-C-T. GRCh37 (hg19) VCF-style: chr17-40364002-C-T.
Identifiers: ClinVar variation 4697076 (VCV004697076.1).
Genomic context (GRCh38, chr17:42,211,984, plus strand): 5'-CCTGAGAGCATCTGGTTGGGAAGGACTGATCTAACAGCGGCTGGCAGCTGGGCTCCTCAC[C>T]CTGTTGAACTGGGACCAGGACACAGACAGGCCACTGTAGTCCTCCAGGTGGCTGCTGCTG-3'
Protein context (NP_036580.2, residues 550-570): GLSVSWSQFN[Arg560=]ENLPGRNYTF